The following is an entry in ClinVar:

NM_001365951.3(KIF1B):c.4139A>T (p.Lys1380Met)

Gene: KIF1B (kinesin family member 1B; plus strand). Cytogenetic location: 1p36.22.
Variant type: single nucleotide variant.
Coding change: c.4139A>T on transcript NM_001365951.3 (MANE Select); coding-DNA position 4139, A replaced by T.
Protein change: p.Lys1380Met; replaces lysine 1380 with methionine.
Molecular consequence: missense variant.
Genome position (GRCh38, 1-based): chr1:10,361,012, A>T. VCF-style: chr1-10361012-A-T. GRCh37 (hg19) VCF-style: chr1-10421070-A-T.
Other names: c.4139A>T, p.Lys1380Met (NM_001365952.1); c.4001A>T, p.Lys1334Met (NM_015074.3); short protein forms K1380M, K1334M.
Identifiers: ClinVar variation 2974652 (VCV002974652.3), dbSNP rs2521878523, ClinGen allele CA338316488.

ClinVar aggregate classification (germline): Uncertain significance (1 of 4 stars; one submission).

Conditions:
Charcot-Marie-Tooth disease type 2. Also called: Charcot-Marie-Tooth type 2. Identifiers: Orphanet 64746, MedGen C0270914, MONDO:0018993.

Submission:

Labcorp Genetics (formerly Invitae), Labcorp
Classification: Uncertain significance for Charcot-Marie-Tooth disease type 2. Last evaluated: 2023-08-29. Review status: criteria provided, single submitter. Criteria: Invitae Variant Classification Sherloc (09022015). Collection method: clinical testing. Allele origin: germline.
Comment: In summary, the available evidence is currently insufficient to determine the role of this variant in disease. Therefore, it has been classified as a Variant of Uncertain Significance. An algorithm developed to predict the effect of missense changes on protein structure and function (PolyPhen-2) suggests that this variant is likely to be disruptive. This variant has not been reported in the literature in individuals affected with KIF1B-related conditions. This variant is not present in population databases (gnomAD no frequency). This sequence change replaces lysine, which is basic and polar, with methionine, which is neutral and non-polar, at codon 1334 of the KIF1B protein (p.Lys1334Met).